The following is an entry in ClinVar:

ClinVar aggregate classification (germline): Uncertain significance. Review status: criteria provided, multiple submitters, no conflicts (2 of 4 stars). 2 submissions from 2 submitters: Uncertain significance (2). Last evaluated 2023-07-25.

Conditions:
Hereditary cancer-predisposing syndrome. Also called: Tumor predisposition; Hereditary Cancer Syndrome; Neoplastic Syndromes, Hereditary; Hereditary neoplastic syndrome. Identifiers: Orphanet 140162, MedGen C0027672, MeSH D009386, MONDO:0015356.

Submissions (2):

Ambry Genetics
Classification: Uncertain significance for Hereditary cancer-predisposing syndrome. Last evaluated: 2023-07-25. Review status: criteria provided, single submitter. Criteria: Ambry Variant Classification Scheme 2023. Collection method: clinical testing. Allele origin: germline.
Comment: The c.2866_2871delGGCTAT variant (also known as p.G956_Y957del) is located in coding exon 18 of the RAD50 gene. This variant results from an in-frame GGCTAT deletion at nucleotide positions 2866 to 2871. This results in the in-frame deletion of two amino acids at codons 956 and 957. These amino acid positions are not well conserved in available vertebrate species. In addition, the in silico prediction for this alteration is inconclusive (Choi Y et al. PLoS ONE. 2012; 7(10):e46688). Since supporting evidence is limited at this time, the clinical significance of this alteration remains unclear.

Labcorp Genetics (formerly Invitae), Labcorp
Classification: Uncertain significance for Hereditary cancer-predisposing syndrome. Last evaluated: 2022-12-19. Review status: criteria provided, single submitter. Criteria: Invitae Variant Classification Sherloc (09022015). Collection method: clinical testing. Allele origin: germline.
Comment: In summary, the available evidence is currently insufficient to determine the role of this variant in disease. Therefore, it has been classified as a Variant of Uncertain Significance. Experimental studies and prediction algorithms are not available or were not evaluated, and the functional significance of this variant is currently unknown. This variant, c.2866_2871del, results in the deletion of 2 amino acid(s) of the RAD50 protein (p.Gly956_Tyr957del), but otherwise preserves the integrity of the reading frame. This variant is not present in population databases (gnomAD no frequency). This variant has not been reported in the literature in individuals affected with RAD50-related conditions. ClinVar contains an entry for this variant (Variation ID: 821926).

NM_005732.4(RAD50):c.2866_2871del (p.Gly956_Tyr957del)

Gene: RAD50 (RAD50 double strand break repair protein; plus strand). Cytogenetic location: 5q31.1.
Variant type: Deletion.
Coding change: c.2866_2871del on transcript NM_005732.4 (MANE Select); coding-DNA positions 2866 to 2871, 6 bases deleted (GGCTAT; older notation c.2866_2871delGGCTAT).
Protein change: p.Gly956_Tyr957del.
Molecular consequence: inframe deletion.
Genome position (GRCh38, 1-based): chr5:132,609,153-132,609,158, GGCTAT deleted; deleting any 6 consecutive bases within chr5:132,609,151-132,609,158 gives the same sequence; the c. name uses the placement nearest the transcript's 3' end. VCF-style (leftmost placement, unchanged base first): chr5-132609150-CATGGCT-C. GRCh37 (hg19) VCF-style: chr5-131944842-CATGGCT-C.
Other names: c.2866_2871del (NM_005732.3).
Identifiers: ClinVar variation 821926 (VCV000821926.12), dbSNP rs778314595, ClinGen allele CA3405469.
Genomic context (GRCh38, chr5:132,609,150, plus strand): 5'-GTAAATTTAATGAATATTTTTCTACAGCTGAATGATATTAAAGAGAAGGTTAAAAATATT[CATGGCT>C]ATATGAAAGACATTGAGAATTATATTCAAGATGGGAAAGACGACTATAAGAAGGTAATTT-3'